The following is an entry in ClinVar:

ClinVar aggregate classification (germline): Uncertain significance. Review status: criteria provided, multiple submitters, no conflicts (2 of 4 stars). 2 submissions from 2 submitters: Uncertain significance (2). Last evaluated 2025-11-06.

Allele frequency attached by ClinVar (database versions not stated): TOPMed 0.00005; gnomAD exomes 0.00009 and 0.00012; gnomAD 0.00011 and 0.00012; ExAC 0.00016.
gnomAD v4.1: 150 of 1,613,800 alleles (0.0093%); highest among the groups gnomAD compares: Non-Finnish European, 0.012%; no homozygotes.

Submissions (2):

Labcorp Genetics (formerly Invitae), Labcorp
Classification: Uncertain significance. Last evaluated: 2025-11-06. Review status: criteria provided, single submitter. Criteria: Invitae Variant Classification Sherloc (09022015). Collection method: clinical testing. Allele origin: germline.
Comment: This sequence change replaces methionine, which is neutral and non-polar, with threonine, which is neutral and polar, at codon 59 of the RIPPLY2 protein (p.Met59Thr). This variant is present in population databases (rs746709371, gnomAD 0.04%). This variant has not been reported in the literature in individuals affected with RIPPLY2-related conditions. ClinVar contains an entry for this variant (Variation ID: 1446019). An algorithm developed to predict the effect of missense changes on protein structure and function (PolyPhen-2) suggests that this variant is likely to be tolerated. In summary, the available evidence is currently insufficient to determine the role of this variant in disease. Therefore, it has been classified as a Variant of Uncertain Significance.

Ambry Genetics
Classification: Uncertain significance. Last evaluated: 2024-12-28. Review status: criteria provided, single submitter. Criteria: Ambry Variant Classification Scheme 2023. Collection method: clinical testing. Allele origin: germline.

NM_001009994.3(RIPPLY2):c.176T>C (p.Met59Thr)

Genes: RIPPLY2 (ripply transcriptional repressor 2; plus strand), RIPPLY2-CYB5R4 (RIPPLY2-CYB5R4 readthrough; plus strand). Cytogenetic location: 6q14.2.
Variant type: single nucleotide variant.
Coding change: c.176T>C on transcript NM_001009994.3 (MANE Select); coding-DNA position 176, T replaced by C.
Protein change: p.Met59Thr; replaces methionine 59 with threonine.
Molecular consequence: missense variant. On other transcripts: non-coding transcript variant (1).
Genome position (GRCh38, 1-based): chr6:83,854,098, T>C. VCF-style: chr6-83854098-T-C. GRCh37 (hg19) VCF-style: chr6-84563817-T-C.
Other names: c.176T>C (NM_001009994.1); short protein forms M59T.
Identifiers: ClinVar variation 1446019 (VCV001446019.8), dbSNP rs746709371, ClinGen allele CA3908868.
Genomic context (GRCh38, chr6:83,854,098, plus strand): 5'-CGTTTCCACTTTCTAGAAGGAGGTGGGTGATAACTGGATTCACTTCCTTTCCTCTCCAGA[T>C]GCCCGATGGCCCTGGAATGACCGCAGCCTCAGGAAAGCTTTACCAATTCAGGCACCCAGT-3'
Protein context (NP_001009994.1, residues 49-69): EETPNHAAEA[Met59Thr]PDGPGMTAAS